The following is an entry in ClinVar:

ClinVar aggregate classification (germline): Likely benign (0 of 4 stars; one submission).

Conditions:
SHROOM3-related disorder. Also called: SHROOM3-related condition.

Allele frequency attached by ClinVar (database versions not stated): gnomAD exomes 0.00002; gnomAD 0.00007; TOPMed 0.00011; ExAC 0.00012.
gnomAD v4.1: 87 of 1,614,094 alleles (0.0054%); highest among the groups gnomAD compares: East Asian, 0.094%; 1 homozygote.

Submission:

PreventionGenetics, part of Exact Sciences
Classification: Likely benign for SHROOM3-related condition. Last evaluated: 2022-03-18. Review status: no assertion criteria provided. Collection method: clinical testing. Allele origin: germline.
Comment: This variant is classified as likely benign based on ACMG/AMP sequence variant interpretation guidelines (Richards et al. 2015 PMID: 25741868, with internal and published modifications).

NM_020859.4(SHROOM3):c.697C>A (p.Pro233Thr)

Genes: SHROOM3 (shroom family member 3; plus strand), SHROOM3-AS1 (SHROOM3 antisense RNA 1; minus strand). Cytogenetic location: 4q21.1.
Variant type: single nucleotide variant.
Coding change: c.697C>A on transcript NM_020859.4 (MANE Select); coding-DNA position 697, C replaced by A.
Protein change: p.Pro233Thr; replaces proline 233 with threonine.
Molecular consequence: missense variant.
Genome position (GRCh38, 1-based): chr4:76,738,870, C>A. VCF-style: chr4-76738870-C-A. GRCh37 (hg19) VCF-style: chr4-77660023-C-A.
Other names: short protein forms P233T.
Identifiers: ClinVar variation 3052271 (VCV003052271.2), dbSNP rs377199268, ClinGen allele CA2972212.